The following is an entry in ClinVar:

ClinVar aggregate classification (germline): Likely benign (1 of 4 stars; one submission).

Allele frequency attached by ClinVar (database versions not stated): gnomAD exomes below 0.00001.
gnomAD v4.1: 2 of 1,601,616 alleles (0.00012%); highest among the groups gnomAD compares: South Asian, 0.0022%; no homozygotes.

Submission:

CeGaT Center for Human Genetics Tuebingen
Classification: Likely benign. Last evaluated: 2022-06-01. Review status: criteria provided, single submitter. Criteria: CeGaT Center For Human Genetics Tuebingen Variant Classification Criteria Version 2. Collection method: clinical testing. Allele origin: germline. Affected: yes. Observed: 1 variant allele.
Comment: IRF2BPL: PM2:Supporting, BP4, BP7

NM_024496.4(IRF2BPL):c.561G>A (p.Ala187=)

Gene: IRF2BPL (interferon regulatory factor 2 binding protein like; minus strand). Cytogenetic location: 14q24.3.
Variant type: single nucleotide variant.
Coding change: c.561G>A on transcript NM_024496.4 (MANE Select); coding-DNA position 561, G replaced by A.
Protein change: p.Ala187=; no amino-acid change (alanine 187 retained).
Molecular consequence: synonymous variant.
Genome position (GRCh38, 1-based): chr14:77,027,232, C>T on the plus strand (G>A on the coding strand, the complement: IRF2BPL is on the minus strand). VCF-style: chr14-77027232-C-T. GRCh37 (hg19) VCF-style: chr14-77493575-C-T.
Identifiers: ClinVar variation 1694723 (VCV001694723.31), dbSNP rs2139975857, ClinGen allele CA487507552.